The following is an entry in ClinVar:

NM_012338.4(TSPAN12):c.569C>T (p.Ser190Phe)

Gene: TSPAN12 (tetraspanin 12; minus strand). Cytogenetic location: 7q31.31.
Variant type: single nucleotide variant.
Coding change: c.569C>T on transcript NM_012338.4 (MANE Select); coding-DNA position 569, C replaced by T.
Protein change: p.Ser190Phe; replaces serine 190 with phenylalanine.
Molecular consequence: missense variant.
Genome position (GRCh38, 1-based): chr7:120,806,592, G>A on the plus strand (C>T on the coding strand, the complement: TSPAN12 is on the minus strand). VCF-style: chr7-120806592-G-A. GRCh37 (hg19) VCF-style: chr7-120446646-G-A.
Other names: short protein forms S190F.
Identifiers: ClinVar variation 1722175 (VCV001722175.5), dbSNP rs778606719, ClinGen allele CA4453856.

ClinVar aggregate classification (germline): Uncertain significance (1 of 4 stars; one submission).

Allele frequency attached by ClinVar (database versions not stated): gnomAD exomes below 0.00001; ExAC 0.00001.
gnomAD v4.1: 1 of 1,613,452 alleles (0.000062%); highest among the groups gnomAD compares: Non-Finnish European, 0.000085%; no homozygotes.

Submission:

Labcorp Genetics (formerly Invitae), Labcorp
Classification: Uncertain significance. Last evaluated: 2022-10-26. Review status: criteria provided, single submitter. Criteria: Invitae Variant Classification Sherloc (09022015). Collection method: clinical testing. Allele origin: germline.
Comment: In summary, the available evidence is currently insufficient to determine the role of this variant in disease. Therefore, it has been classified as a Variant of Uncertain Significance. Advanced modeling of protein sequence and biophysical properties (such as structural, functional, and spatial information, amino acid conservation, physicochemical variation, residue mobility, and thermodynamic stability) performed at Invitae indicates that this missense variant is not expected to disrupt TSPAN12 protein function. This variant has not been reported in the literature in individuals affected with TSPAN12-related conditions. This variant is present in population databases (rs778606719, gnomAD 0.0009%). This sequence change replaces serine, which is neutral and polar, with phenylalanine, which is neutral and non-polar, at codon 190 of the TSPAN12 protein (p.Ser190Phe).